The following is an entry in ClinVar:

NC_000005.9:g.(?_147204204)_(147211355_?)dup

Gene: SPINK1 (serine peptidase inhibitor Kazal type 1; minus strand). Cytogenetic location: 5q32.
Variant type: Duplication.
Identifiers: ClinVar variation 657914 (VCV000657914.2).

ClinVar aggregate classification (germline): Uncertain significance (1 of 4 stars; one submission).

Conditions:
Hereditary pancreatitis (PCTT). Also called: PRSS1-Related Hereditary Pancreatitis; Hereditary chronic pancreatitis. Identifiers: Orphanet 676, MedGen C0238339, MONDO:0008185, OMIM 167800.

Submission:

Labcorp Genetics (formerly Invitae), Labcorp
Classification: Uncertain significance for Hereditary pancreatitis. Last evaluated: 2018-10-29. Review status: criteria provided, single submitter. Criteria: Invitae Variant Classification Sherloc (09022015). Collection method: clinical testing. Allele origin: germline.
Comment: This variant results in a copy number gain of the genomic region encompassing the full coding sequence of the SPINK1 gene. The boundaries of this event are unknown as they extend beyond the assayed region for this gene and therefore may encompass additional genes. As the precise location of this event is unknown, it may be in tandem or it may be located elsewhere in the genome. This variant has not been reported in the literature in individuals with SPINK1-related disease. In summary, the available evidence is currently insufficient to determine the role of this variant in disease. Therefore, it has been classified as a Variant of Uncertain Significance.